The following is an entry in ClinVar:

ClinVar aggregate classification (germline): Uncertain significance (1 of 4 stars; one submission).

gnomAD v4.1: 1 of 1,613,294 alleles (0.000062%); no homozygotes.

Submission:

CeGaT Center for Human Genetics Tuebingen
Classification: Uncertain significance. Last evaluated: 2022-10-01. Review status: criteria provided, single submitter. Criteria: CeGaT Center For Human Genetics Tuebingen Variant Classification Criteria Version 2. Collection method: clinical testing. Allele origin: germline. Affected: yes. Observed: 1 variant allele.
Comment: CLTC: PM2, PP2

NM_004859.4(CLTC):c.4991A>T (p.Tyr1664Phe)

Gene: CLTC (clathrin heavy chain; plus strand). Cytogenetic location: 17q23.1.
Variant type: single nucleotide variant.
Coding change: c.4991A>T on transcript NM_004859.4 (MANE Select); coding-DNA position 4991, A replaced by T.
Protein change: p.Tyr1664Phe; replaces tyrosine 1664 with phenylalanine.
Molecular consequence: missense variant.
Genome position (GRCh38, 1-based): chr17:59,693,815, A>T. VCF-style: chr17-59693815-A-T. GRCh37 (hg19) VCF-style: chr17-57771176-A-T.
Other names: c.5003A>T, p.Tyr1668Phe (NM_001288653.2); short protein forms Y1664F, Y1668F.
Identifiers: ClinVar variation 2647990 (VCV002647990.24), dbSNP rs2509170911, ClinGen allele CA400426007.